The following is an entry in ClinVar:

NM_000350.3(ABCA4):c.3083C>T (p.Ala1028Val)

Gene: ABCA4 (ATP binding cassette subfamily A member 4; minus strand). Cytogenetic location: 1p22.1.
Variant type: single nucleotide variant.
Coding change: c.3083C>T on transcript NM_000350.3 (MANE Select); coding-DNA position 3083, C replaced by T.
Protein change: p.Ala1028Val; replaces alanine 1028 with valine.
Molecular consequence: missense variant.
Genome position (GRCh38, 1-based): chr1:94,043,443, G>A on the plus strand (C>T on the coding strand, the complement: ABCA4 is on the minus strand). VCF-style: chr1-94043443-G-A. GRCh37 (hg19) VCF-style: chr1-94508999-G-A.
Other names: c.2861C>T, p.Ala954Val (NM_001425324.1); short protein forms A1028V, A954V.
Identifiers: ClinVar variation 7881 (VCV000007881.10), dbSNP rs121909204, ClinGen allele CA340711.

ClinVar aggregate classification (germline): Uncertain significance. Review status: criteria provided, single submitter (1 of 4 stars). 2 submissions from 2 submitters: Uncertain significance (1). 1 of the submissions does not count toward it. Last evaluated 2022-10-17.

Conditions:
Severe early-childhood-onset retinal dystrophy (STGD1). Also called: Stargardt macular dystrophy; Juvenile onset macular degeneration; Stargardt disease 1; MACULAR DYSTROPHY WITH FLECKS, TYPE 1; STGD. Identifiers: Orphanet 364055, Orphanet 827, MedGen C1855465, MeSH D000080362, MONDO:0009549, OMIM 248200.

Submissions (2):

Labcorp Genetics (formerly Invitae), Labcorp
Classification: Uncertain significance. Last evaluated: 2022-10-17. Review status: criteria provided, single submitter. Criteria: Invitae Variant Classification Sherloc (09022015). Collection method: clinical testing. Allele origin: germline.
Comment: This sequence change replaces alanine, which is neutral and non-polar, with valine, which is neutral and non-polar, at codon 1028 of the ABCA4 protein (p.Ala1028Val). In summary, the available evidence is currently insufficient to determine the role of this variant in disease. Therefore, it has been classified as a Variant of Uncertain Significance. Advanced modeling of protein sequence and biophysical properties (such as structural, functional, and spatial information, amino acid conservation, physicochemical variation, residue mobility, and thermodynamic stability) performed at Invitae indicates that this missense variant is expected to disrupt ABCA4 protein function. ClinVar contains an entry for this variant (Variation ID: 7881). This missense change has been observed in individual(s) with ABCA4-related conditions (Invitae). This variant is not present in population databases (gnomAD no frequency).

OMIM
Classification: Pathogenic for STARGARDT DISEASE 1. Last evaluated: 2016-12-29. Review status: no assertion criteria provided. Collection method: literature only. Allele origin: germline. Not counted in ClinVar's aggregate classification.

Literature cited by the submitters: PubMed 10880298 (cited by OMIM).